The following is an entry in ClinVar:

ClinVar aggregate classification (germline): Conflicting classifications of pathogenicity. Review status: criteria provided, conflicting classifications (1 of 4 stars). 2 submissions from 2 submitters: Uncertain significance (1); Benign (1). Last evaluated 2025-02-19.

Conditions:
Hereditary cancer-predisposing syndrome. Also called: Neoplastic Syndromes, Hereditary; Tumor predisposition; Hereditary Cancer Syndrome; Hereditary neoplastic syndrome. Identifiers: Orphanet 140162, MedGen C0027672, MeSH D009386, MONDO:0015356.
BAP1-related tumor predisposition syndrome (TPDS1). Also called: BAP1 tumor predisposition syndrome; Tumor susceptibility linked to germline BAP1 mutations; COMMON Syndrome; TUMOR PREDISPOSITION SYNDROME 1. Identifiers: Orphanet 289539, MedGen C3280492, MONDO:0013692, OMIM 614327.

Allele frequency attached by ClinVar (database versions not stated): gnomAD exomes below 0.00001; TOPMed below 0.00001; gnomAD 0.00001.
gnomAD v4.1: 3 of 1,572,114 alleles (0.00019%); highest among the groups gnomAD compares: Non-Finnish European, 0.00026%; no homozygotes.

Submissions (2):

Ambry Genetics
Classification: Benign for Hereditary cancer-predisposing syndrome. Last evaluated: 2025-02-19. Review status: criteria provided, single submitter. Criteria: Ambry Variant Classification Scheme 2023. Collection method: clinical testing. Allele origin: germline.

Labcorp Genetics (formerly Invitae), Labcorp
Classification: Uncertain significance for BAP1-related tumor predisposition syndrome. Last evaluated: 2023-04-08. Review status: criteria provided, single submitter. Criteria: Invitae Variant Classification Sherloc (09022015). Collection method: clinical testing. Allele origin: germline.
Comment: In summary, the available evidence is currently insufficient to determine the role of this variant in disease. Therefore, it has been classified as a Variant of Uncertain Significance. Advanced modeling of protein sequence and biophysical properties (such as structural, functional, and spatial information, amino acid conservation, physicochemical variation, residue mobility, and thermodynamic stability) performed at Invitae indicates that this missense variant is expected to disrupt BAP1 protein function. This variant has not been reported in the literature in individuals affected with BAP1-related conditions. This variant is not present in population databases (gnomAD no frequency). This sequence change replaces arginine, which is basic and polar, with cysteine, which is neutral and slightly polar, at codon 701 of the BAP1 protein (p.Arg701Cys).

Literature cited by the submitters: PubMed 38969833 (cited by Ambry Genetics).

NM_004656.4(BAP1):c.2101C>T (p.Arg701Cys)

Gene: BAP1 (BRCA1 associated deubiquitinase 1; minus strand). Cytogenetic location: 3p21.1.
Variant type: single nucleotide variant.
Coding change: c.2101C>T on transcript NM_004656.4 (MANE Select); coding-DNA position 2101, C replaced by T.
Protein change: p.Arg701Cys; replaces arginine 701 with cysteine.
Molecular consequence: missense variant.
Genome position (GRCh38, 1-based): chr3:52,402,377, G>A on the plus strand (C>T on the coding strand, the complement: BAP1 is on the minus strand). VCF-style: chr3-52402377-G-A. GRCh37 (hg19) VCF-style: chr3-52436393-G-A.
Other names: c.2047C>T, p.Arg683Cys (NM_001410772.1); short protein forms R683C, R701C.
Identifiers: ClinVar variation 2915092 (VCV002915092.4), dbSNP rs1244342890, ClinGen allele CA353094358.